The following is an entry in ClinVar:

GRCh38/hg38 1q44(chr1:247995637-248042653)x1

Genes: OR2L13 (olfactory receptor family 2 subfamily L member 13; plus strand), OR2L2 (olfactory receptor family 2 subfamily L member 2; plus strand), OR2L5 (olfactory receptor family 2 subfamily L member 5; plus strand). Cytogenetic location: 1q44.
Variant type: copy number loss.
Change: copy number 1 (one copy instead of two) of chr1:247,995,637-248,042,653 (47.0 kb, GRCh38 coordinates, 1-based), cytogenetic band 1q44.
Identifiers: ClinVar variation 145794 (VCV000145794.1).

ClinVar aggregate classification (germline): Benign/Likely benign (0 of 4 stars; one submission).

Submission:

GeneDx
Classification: Benign/Likely benign. Last evaluated: 2011-04-30. Review status: no assertion criteria provided. Collection method: clinical testing. Allele origin: not provided. Affected: yes. Observed: 2 variant alleles.
Comment: Likely benign (1), Benign (1)